The following is an entry in ClinVar:

NM_015021.3(ZNF292):c.7664C>T (p.Ala2555Val)

Gene: ZNF292 (zinc finger protein 292; plus strand). Cytogenetic location: 6q14.3.
Variant type: single nucleotide variant.
Coding change: c.7664C>T on transcript NM_015021.3 (MANE Select); coding-DNA position 7664, C replaced by T.
Protein change: p.Ala2555Val; replaces alanine 2555 with valine.
Molecular consequence: missense variant.
Genome position (GRCh38, 1-based): chr6:87,261,293, C>T. VCF-style: chr6-87261293-C-T. GRCh37 (hg19) VCF-style: chr6-87971011-C-T.
Other names: c.7244C>T, p.Ala2415Val (NM_001351444.2); short protein forms A2415V, A2555V.
Identifiers: ClinVar variation 4822305 (VCV004822305.4).

ClinVar aggregate classification (germline): Uncertain significance (1 of 4 stars; one submission).

Submission:

CeGaT Center for Human Genetics Tuebingen
Classification: Uncertain significance. Last evaluated: 2026-01-01. Review status: criteria provided, single submitter. Criteria: CeGaT Center For Human Genetics Tuebingen Variant Classification Criteria Version 2. Collection method: clinical testing. Allele origin: germline. Affected: yes. Observed: 1 variant allele.
Comment: ZNF292: PM2, BP4